The following is an entry in ClinVar:

ClinVar aggregate classification (germline): Uncertain significance. Review status: criteria provided, multiple submitters, no conflicts (2 of 4 stars). 3 submissions from 2 submitters: Uncertain significance (3). Last evaluated 2024-04-08.

Conditions:
Cardiovascular phenotype. Identifiers: MedGen CN230736.
Hereditary cancer-predisposing syndrome. Also called: Tumor predisposition; Hereditary Cancer Syndrome; Hereditary neoplastic syndrome; Neoplastic Syndromes, Hereditary. Identifiers: Orphanet 140162, MedGen C0027672, MeSH D009386, MONDO:0015356.
Neurofibromatosis, type 1 (NF1). Also called: VON RECKLINGHAUSEN DISEASE; NEUROFIBROMATOSIS, TYPE I, SOMATIC; Peripheral type neurofibromatosis; Neurofibromatosis, type I. Identifiers: Orphanet 636, MedGen C0027831, MONDO:0018975, OMIM 162200. Disease mechanism: loss of function.

Submissions (3):

Labcorp Genetics (formerly Invitae), Labcorp
Classification: Uncertain significance for Neurofibromatosis, type 1. Last evaluated: 2024-04-08. Review status: criteria provided, single submitter. Criteria: Invitae Variant Classification Sherloc (09022015). Collection method: clinical testing. Allele origin: germline.
Comment: This sequence change replaces serine, which is neutral and polar, with alanine, which is neutral and non-polar, at codon 666 of the NF1 protein (p.Ser666Ala). This variant is not present in population databases (gnomAD no frequency). This variant has not been reported in the literature in individuals affected with NF1-related conditions. ClinVar contains an entry for this variant (Variation ID: 233922). Advanced modeling of protein sequence and biophysical properties (such as structural, functional, and spatial information, amino acid conservation, physicochemical variation, residue mobility, and thermodynamic stability) performed at Invitae indicates that this missense variant is not expected to disrupt NF1 protein function with a negative predictive value of 95%. In summary, the available evidence is currently insufficient to determine the role of this variant in disease. Therefore, it has been classified as a Variant of Uncertain Significance.

Ambry Genetics
Classification: Uncertain significance for Cardiovascular phenotype; Hereditary cancer-predisposing syndrome. Last evaluated: 2019-05-08. Review status: criteria provided, single submitter. Criteria: Ambry Variant Classification Scheme 2023. Collection method: clinical testing. Allele origin: germline.

Ambry Genetics
Classification: Uncertain significance for Hereditary cancer-predisposing syndrome. Last evaluated: 2015-09-16. Review status: criteria provided, single submitter. Criteria: Ambry Autosomal Dominant and X-Linked criteria (10/2015). Collection method: clinical testing. Allele origin: germline. Observed: 1 variant allele.
Comment: The p.S666A variant (also known as c.1996T>G), located in coding exon 17 of the NF1 gene, results from a T to G substitution at nucleotide position 1996. The serine at codon 666 is replaced by alanine, an amino acid with similar properties. This variant was not reported in population based cohorts in the following databases: Database of Single Nucleotide Polymorphisms (dbSNP), NHLBI Exome Sequencing Project (ESP), and 1000 Genomes Project. In the ESP, this variant was not observed in 6503 samples (13006 alleles) with coverage at this position. To date, this alteration has been detected with an allele frequency of approximately 0.002% (greater than 55000alleles tested) in our clinical cohort.This amino acid position is well conserved in available vertebrate species. In addition, this alteration is predicted to be tolerated by in silico analysis.Since supporting evidence is limited at this time, the clinical significance of p.S666Aremains unclear.

NM_001042492.3(NF1):c.1996T>G (p.Ser666Ala)

Gene: NF1 (neurofibromin 1; plus strand). Cytogenetic location: 17q11.2.
Variant type: single nucleotide variant.
Coding change: c.1996T>G on transcript NM_001042492.3 (MANE Select); coding-DNA position 1996, T replaced by G.
Protein change: p.Ser666Ala; replaces serine 666 with alanine.
Molecular consequence: missense variant.
Genome position (GRCh38, 1-based): chr17:31,225,245, T>G. VCF-style: chr17-31225245-T-G. GRCh37 (hg19) VCF-style: chr17-29552263-T-G.
Other names: c.1996T>G, p.Ser666Ala (NM_000267.4); short protein forms S666A.
Identifiers: ClinVar variation 233922 (VCV000233922.6), dbSNP rs876659281, ClinGen allele CA10580238.